The following is an entry in ClinVar:

ClinVar aggregate classification (germline): Conflicting classifications of pathogenicity. Review status: criteria provided, conflicting classifications (1 of 4 stars). 19 submissions from 19 submitters: Pathogenic (4); Likely pathogenic (12); Uncertain significance (2). 1 of the submissions does not count toward it. Last evaluated 2026-02-10.

Conditions:
Hereditary nonpolyposis colon cancer (HNPCC). Also called: Hereditary Nonpolyposis Colorectal Cancer Syndrome; Hereditary nonpolyposis colorectal cancer; Familial nonpolyposis colon cancer. Identifiers: Orphanet 443909, MedGen C1333990, MONDO:0018630. Disease mechanism: loss of function.
Inherited polyposis and early onset colorectal cancer - germline testing.
PMS2-related disorder. Also called: PMS2-related condition.
Hereditary nonpolyposis colorectal neoplasms. Identifiers: MedGen C0009405, MeSH D003123.
Hereditary cancer-predisposing syndrome. Also called: Hereditary Cancer Syndrome; Tumor predisposition; Neoplastic Syndromes, Hereditary; Hereditary neoplastic syndrome. Identifiers: Orphanet 140162, MedGen C0027672, MeSH D009386, MONDO:0015356.
Hereditary breast ovarian cancer syndrome. Also called: Breast and ovarian cancer; BRCA1- and BRCA2-Associated Hereditary Breast and Ovarian Cancer; Hereditary breast and ovarian cancer; Hereditary breast and ovarian cancer syndrome (HBOC); Hereditary breast and ovarian cancer syndrome; Hereditary breast and/or ovarian cancer syndrome. Identifiers: Orphanet 145, MedGen C0677776, MeSH D061325, MONDO:0003582. Disease mechanism: loss of function.
Lynch syndrome 4 (LYNCH4). Also called: Colorectal cancer, hereditary nonpolyposis, type 4; Hereditary non-polyposis colorectal cancer, type 4. Identifiers: Orphanet 144, MedGen C1838333, MONDO:0013699, OMIM 614337. Disease mechanism: loss of function.
Endometrial carcinoma. Also called: Endometrial carcinoma, somatic. Identifiers: MedGen C0476089, MONDO:0002447, OMIM 608089, HP:0012114.

Allele frequency attached by ClinVar (database versions not stated): gnomAD 0.00001; gnomAD exomes 0.00002; TOPMed 0.00002.
gnomAD v4.1: 27 of 1,603,354 alleles (0.0017%); highest among the groups gnomAD compares: Non-Finnish European, 0.0022%; 2 homozygotes.

Submissions 1 to 6 of 19:

Institute of Human Genetics, University of Leipzig Medical Center
Classification: Likely pathogenic for Lynch syndrome 4. Last evaluated: 2026-02-10. Review status: criteria provided, single submitter. Criteria: ACMG Guidelines, 2015. Collection method: clinical testing. Allele origin: unknown. Inheritance: Autosomal dominant inheritance. Affected: yes.
Comment: Criteria applied: PM3,PP3_MOD,PP4_MOD,PS3_SUP

Labcorp Genetics (formerly Invitae), Labcorp
Classification: Pathogenic for Hereditary nonpolyposis colorectal neoplasms. Last evaluated: 2025-11-17. Review status: criteria provided, single submitter. Criteria: Invitae Variant Classification Sherloc (09022015). Collection method: clinical testing. Allele origin: germline.
Comment: This sequence change replaces glycine, which is neutral and non-polar, with aspartic acid, which is acidic and polar, at codon 750 of the PMS2 protein (p.Gly750Asp). The frequency data for this variant in the population databases (gnomAD) is considered unreliable due to the presence of homologous sequence, such as pseudogenes or paralogs, in the genome. This missense change has been observed in individual(s) with constitutional mismatch repair deficiency syndrome and/or Lynch syndrome (PMID: 18602922, 26318770, 30608896; internal data). In at least one individual the data is consistent with being in trans (on the opposite chromosome) from a pathogenic variant. Invitae Evidence Modeling of clinical and family history, age, sex, and reported ancestry of multiple individuals with this PMS2 variant has been performed. This variant is expected to be pathogenic with a positive predictive value of at least 99%. This is a validated machine learning model that incorporates the clinical features of 1,627,235 individuals referred to our laboratory for PMS2 testing. ClinVar contains an entry for this variant (Variation ID: 91334). Invitae Evidence Modeling incorporating data from in vitro experimental studies (internal data) indicates that this missense variant is not expected to disrupt PMS2 function with a negative predictive value of 95%. Experimental studies have shown that this missense change affects PMS2 function (PMID: 24027009, 26116798). For these reasons, this variant has been classified as Pathogenic.

Women's Health and Genetics/Laboratory Corporation of America, LabCorp
Classification: Pathogenic for Hereditary nonpolyposis colon cancer. Last evaluated: 2025-10-30. Review status: criteria provided, single submitter. Criteria: LabCorp Variant Classification Summary - May 2015. Collection method: clinical testing. Allele origin: germline.
Comment: Variant summary: PMS2 c.2249G>A (p.Gly750Asp) results in a non-conservative amino acid change located in the MutL, C-terminal, dimerisation domain (IPR014790) of the encoded protein sequence. Algorithms developed to predict the effect of missense changes on protein structure and function all suggest that this variant is likely to be disruptive. The variant allele was found at a frequency of 4e-06 in 249726 control chromosomes (gnomAD). c.2249G>A has been observed in multiple individuals affected with constitutional mismatch repair deficiency syndrome or cancers associated with Lynch syndrome (e.g., Senter_2008, Lavoine_2015, Shuen_2019, Goodenberger_2016, Bono_2021, Lilyquist_2017, Fanale_2022, Invitae). These data indicate that the variant is very likely to be associated with disease. Experimental studies have shown that the variant compromises mismatch repair efficiency (e.g., Drost_PMS2_2013, Bodo_2015). The following publications have been ascertained in the context of this evaluation (PMID: 26116798, 34371384, 24027009, 35223509, 25856668, 26318770, 28888541, 18602922, 30608896, 38552658). ClinVar contains an entry for this variant (Variation ID: 91334). Based on the evidence outlined above, the variant was classified as pathogenic.

Quest Diagnostics Nichols Institute San Juan Capistrano
Classification: Likely pathogenic. Last evaluated: 2025-10-24. Review status: criteria provided, single submitter. Criteria: Quest Diagnostics criteria. Collection method: clinical testing. Allele origin: unknown.
Comment: The PMS2 c.2249G>A (p.Gly750Asp) variant has been reported in the published literature in individuals with Lynch syndrome (PMIDs: 35223509 (2022), 26318770 (2015), 26116798 (2015), 25856668 (2015), 18602922 (2008)) and ovarian cancer (PMID: 28888541 (2017)) and has been reported in individuals with breast cancer as well as in reportedly unaffected individuals in a breast cancer association study (PMID: 33471991 (2021), see also LOVD). It was also seen in the homozygous state in an individual with ovarian cancer attributed to constitutional mismatch repair deficiency (CMMRD) syndrome (PMID: (34371384)) and in the compound heterozygous state with another pathogenic PMS2 variant in an individual with CMMRD syndrome (PMID: 38552658 (2024)). Functional studies suggest that this variant affects the mismatch repair function of the PMS2 protein (PMID 18602922 (2008), 24027009 (2013), and 26116798 (2015)). The frequency of this variant in the general population (Genome Aggregation Database) is consistent with pathogenicity. Analysis of this variant using bioinformatics tools for the prediction of the effect of amino acid changes on protein structure and function yielded predictions that this variant is damaging. Based on the available information, this variant is classified as likely pathogenic.

Cambridge Genomics Laboratory, East Genomic Laboratory Hub, NHS Genomic Medicine Service
Classification: Uncertain significance for Inherited polyposis and early onset colorectal cancer - germline testing. Last evaluated: 2025-10-21. Review status: criteria provided, single submitter. Criteria: ACGS Best Practice Guidelines for Variant Classification in Rare Disease 2020. Collection method: clinical testing. Allele origin: germline. Affected: yes.
Comment: PM2_Supporting,PP3_Moderate

Color Diagnostics, LLC DBA Color Health
Classification: Likely pathogenic for Hereditary cancer-predisposing syndrome. Last evaluated: 2025-10-06. Review status: criteria provided, single submitter. Criteria: ACMG Guidelines, 2015. Collection method: clinical testing. Allele origin: germline.
Comment: This missense variant replaces glycine with aspartic acid at codon 750 in the nuclease domain of the PMS2 protein. Computational prediction suggests that this variant may have deleterious impact on protein structure and function. Functional studies have shown that this variant protein partially reduces DNA mismatch repair activity compared with wild type protein in in vitro-based assays (PMID: 24027009, 26116798, 30608896). This variant has been reported in heterozygous state with a second pathogenic PMS2 variant (PMID: 18602922, 26116798, 26318770DOI: 10.1186/1897-4287-9-S1-P38), or in heterozygous state with an unknown second pathogenic variant (PMID: 30608896), in individuals affected with constitutional mismatch repair deficiency (CMMRD). Of note, these individuals had cancer onset age later than typical individuals with CMMRD. This variant has been reported in individuals affected with colorectal cancer suspected of Lynch syndrome (PMID: 25856668, 35223509) or ovarian cancer (PMID: 34371384). In one of these colorectal cancer cases, it was observed to co-occur with the pathogenic Ser46Ile PMS2 variant (PMID: 25856668). This variant has been identified in 27/1603354 chromosomes in the general population by the Genome Aggregation Database (gnomAD). Based on the available evidence, this variant is classified as Likely Pathogenic. The partial functional impact and later cancer onset age suggest that this variant may not be associated with the same cancer risk as a typical PMS2 pathogenic variant.

NM_000535.7(PMS2):c.2249G>A (p.Gly750Asp)

Gene: PMS2 (PMS1 homolog 2, mismatch repair system component; minus strand). Cytogenetic location: 7p22.1.
Variant type: single nucleotide variant.
Coding change: c.2249G>A on transcript NM_000535.7 (MANE Select); coding-DNA position 2249, G replaced by A.
Protein change: p.Gly750Asp; replaces glycine 750 with aspartic acid.
Molecular consequence: missense variant. On other transcripts: non-coding transcript variant (1).
Genome position (GRCh38, 1-based): chr7:5,978,622, C>T on the plus strand (G>A on the coding strand, the complement: PMS2 is on the minus strand). VCF-style: chr7-5978622-C-T. GRCh37 (hg19) VCF-style: chr7-6018253-C-T.
Other names: c.1844G>A, p.Gly615Asp (NM_001322003.2, NM_001322004.2, NM_001322005.2 and 1 more transcripts); c.2093G>A, p.Gly698Asp (NM_001322006.2); c.1931G>A, p.Gly644Asp (NM_001322007.2, NM_001322008.2); c.1688G>A, p.Gly563Asp (NM_001322010.2); c.1316G>A, p.Gly439Asp (NM_001322011.2, NM_001322012.2); c.1676G>A, p.Gly559Asp (NM_001322013.2); c.2249G>A, p.Gly750Asp (NM_001322014.2); c.1940G>A, p.Gly647Asp (NM_001322015.2); short protein forms G750D, G647D, G559D, G644D, G439D, G698D, G563D, G615D.
Identifiers: ClinVar variation 91334 (VCV000091334.84), dbSNP rs587779337, ClinGen allele CA011133.